The following is an entry in ClinVar:

NM_007317.3(KIF22):c.163G>A (p.Asp55Asn)

Gene: KIF22 (kinesin family member 22; plus strand). Cytogenetic location: 16p11.2.
Variant type: single nucleotide variant.
Coding change: c.163G>A on transcript NM_007317.3 (MANE Select); coding-DNA position 163, G replaced by A.
Protein change: p.Asp55Asn; replaces aspartic acid 55 with asparagine.
Molecular consequence: missense variant. On other transcripts: 5 prime UTR variant (2).
Genome position (GRCh38, 1-based): chr16:29,796,985, G>A. VCF-style: chr16-29796985-G-A. GRCh37 (hg19) VCF-style: chr16-29808306-G-A.
Other names: c.-42G>A (NM_001256269.2, NM_001256270.1); short protein forms D55N.
Identifiers: ClinVar variation 3640252 (VCV003640252.2).
Genomic context (GRCh38, chr16:29,796,985, plus strand): 5'-GCTACTCGTCGTCCACCTCCAGCTCGCGTAAGGGTGGCTGTGCGACTGCGGCCATTTGTG[G>A]ATGGAACAGCGGGAGCAAGTGATCCCCCCTGTGTGCGGGGCATGGACAGCTGCTCTCTAG-3'
Protein context (NP_015556.1, residues 45-65): RVAVRLRPFV[Asp55Asn]GTAGASDPPC

ClinVar aggregate classification (germline): Uncertain significance (1 of 4 stars; one submission).

Submission:

Labcorp Genetics (formerly Invitae), Labcorp
Classification: Uncertain significance. Last evaluated: 2024-02-11. Review status: criteria provided, single submitter. Criteria: Invitae Variant Classification Sherloc (09022015). Collection method: clinical testing. Allele origin: germline.
Comment: This sequence change replaces aspartic acid, which is acidic and polar, with asparagine, which is neutral and polar, at codon 55 of the KIF22 protein (p.Asp55Asn). This variant is not present in population databases (gnomAD no frequency). This variant has not been reported in the literature in individuals affected with KIF22-related conditions. Advanced modeling of protein sequence and biophysical properties (such as structural, functional, and spatial information, amino acid conservation, physicochemical variation, residue mobility, and thermodynamic stability) performed at Invitae indicates that this missense variant is not expected to disrupt KIF22 protein function with a negative predictive value of 80%. In summary, the available evidence is currently insufficient to determine the role of this variant in disease. Therefore, it has been classified as a Variant of Uncertain Significance.